The following is an entry in ClinVar:

NM_000051.4(ATM):c.467G>A (p.Trp156Ter)

Gene: ATM (ATM serine/threonine kinase; plus strand). Cytogenetic location: 11q22.3.
Variant type: single nucleotide variant.
Coding change: c.467G>A on transcript NM_000051.4 (MANE Select); coding-DNA position 467, G replaced by A.
Protein change: p.Trp156Ter; replaces tryptophan 156 with a stop codon.
Molecular consequence: nonsense.
Genome position (GRCh38, 1-based): chr11:108,235,805, G>A. VCF-style: chr11-108235805-G-A. GRCh37 (hg19) VCF-style: chr11-108106532-G-A.
Other names: NM_000051.4(ATM):c.467G>A; p.Trp156Ter; c.467G>A, p.Trp156Ter (NM_001351834.2); short protein forms W156*.
Identifiers: ClinVar variation 634428 (VCV000634428.22), dbSNP rs876658159, ClinGen allele CA382525484.

ClinVar aggregate classification (germline): Pathogenic. Review status: reviewed by expert panel (3 of 4 stars). 7 submissions from 7 submitters: Pathogenic (1). 6 of the submissions do not count toward it. Last evaluated 2025-09-25.

Conditions:
ATM-related cancer predisposition. Also called: ATM-related cancer susceptibility. Identifiers: MedGen CN377759, MONDO:0700270.
Hereditary cancer-predisposing syndrome. Also called: Neoplastic Syndromes, Hereditary; Hereditary Cancer Syndrome; Hereditary neoplastic syndrome; Tumor predisposition. Identifiers: Orphanet 140162, MedGen C0027672, MeSH D009386, MONDO:0015356.
Ataxia-telangiectasia syndrome (AT). Also called: LOUIS-BAR SYNDROME; Ataxia telangiectasia (A-T); Ataxia-telangiectasia, complementation group D; AT, COMPLEMENTATION GROUP C; Cerebello-oculocutaneous telangiectasia; Immunodeficiency with ataxia telangiectasia. Identifiers: Orphanet 100, MedGen C0004135, MONDO:0008840, OMIM 208900.
Familial cancer of breast. Also called: hereditary breast carcinoma; BREAST CANCER, FAMILIAL; Hereditary breast cancer. Identifiers: Orphanet 227535, MedGen C0346153, MONDO:0016419, OMIM 114480. Disease mechanism: loss of function.

Allele frequency attached by ClinVar (database versions not stated): gnomAD exomes below 0.00001.

Submissions (7):

ClinGen Hereditary Breast, Ovarian and Pancreatic Cancer Variant Curation Expert Panel, ClinGen
Classification: Pathogenic for ATM-related cancer predisposition. Last evaluated: 2025-09-25. Review status: reviewed by expert panel. Criteria: ClinGen HBOP ACMG Specifications ATM V1.3.0. Collection method: curation. Allele origin: germline. Inheritance: Autosomal dominant inheritance.
Comment: The c.467G>A (p.Trp156*) variant in ATM gene is a nonsense variant predicted to cause premature stop codon in biologically-relevant-exon leading to nonsense mediated decay in a gene in which loss-of-function is an established disease mechanism. This alteration results in a termination codon upstream of the most C-terminus pathogenic alteration (p.Arg3047*), as classified by the HBOP VCEP, and it is expected to be more deleterious. This variant has been detected in at least three unrelated individuals with Ataxia-Telangiectasia (PMIDs: 26896183, 34771661, 24954719). The highest population minor allele frequency in gnomAD v4.1.0 is 0.000001695 in the European (non-Finnish) population, which is lower than the HBOP threshold (≤0.00001) for PM2_Supporting, meeting this criterion. In summary, this variant meets criteria to be classified as pathogenic for autosomal dominant ATM-related cancer predisposition and autosomal recessive Ataxia-Telangiectasia based on the ACMG/AMP criteria applied as specified by the HBOP VCEP. (PVS1, PM5_Supporting, PM3_Strong, PM2_Supporting)

Ambry Genetics
Classification: Pathogenic for Hereditary cancer-predisposing syndrome. Last evaluated: 2026-07-06. Review status: criteria provided, single submitter. Criteria: Ambry Variant Classification Scheme 2023. Collection method: clinical testing. Allele origin: germline. Not counted in ClinVar's aggregate classification.
Comment: The p.W156* pathogenic mutation (also known as c.467G>A), located in coding exon 4 of the ATM gene, results from a G to A substitution at nucleotide position 467. This changes the amino acid from a tryptophan to a stop codon within coding exon 4. This variant has been identified in the homozygous state and/or in conjunction with other ATM variant(s) in individual(s) with features consistent with ataxia telangiectasia (Nakayama T et al. Brain Dev, 2015 Mar;37:362-5). This variant is considered to be rare based on population cohorts in the Genome Aggregation Database (gnomAD). This alteration is expected to result in loss of function by premature protein truncation or nonsense-mediated mRNA decay. As such, this alteration is interpreted as a disease-causing mutation.

Labcorp Genetics (formerly Invitae), Labcorp
Classification: Pathogenic for Ataxia-telangiectasia syndrome. Last evaluated: 2024-12-20. Review status: criteria provided, single submitter. Criteria: Invitae Variant Classification Sherloc (09022015). Collection method: clinical testing. Allele origin: germline. Not counted in ClinVar's aggregate classification.
Comment: This sequence change creates a premature translational stop signal (p.Trp156*) in the ATM gene. It is expected to result in an absent or disrupted protein product. Loss-of-function variants in ATM are known to be pathogenic (PMID: 23807571, 25614872). This variant is not present in population databases (gnomAD no frequency). This variant has not been reported in the literature in individuals affected with ATM-related conditions. ClinVar contains an entry for this variant (Variation ID: 634428). Algorithms developed to predict the effect of sequence changes on RNA splicing suggest that this variant may disrupt the consensus splice site. For these reasons, this variant has been classified as Pathogenic.

Myriad Genetics, Inc.
Classification: Pathogenic for Familial cancer of breast. Last evaluated: 2024-01-09. Review status: criteria provided, single submitter. Criteria: Myriad Autosomal Dominant, Autosomal Recessive and X-Linked Classification Criteria (2023). Collection method: clinical testing. Allele origin: unknown. Not counted in ClinVar's aggregate classification.
Comment: This variant is considered pathogenic. This variant creates a termination codon and is predicted to result in premature protein truncation.

Color Diagnostics, LLC DBA Color Health
Classification: Pathogenic for Hereditary cancer-predisposing syndrome. Last evaluated: 2021-03-08. Review status: criteria provided, single submitter. Criteria: ACMG Guidelines, 2015. Collection method: clinical testing. Allele origin: germline. Not counted in ClinVar's aggregate classification.
Comment: This variant changes 1 nucleotide in exon 5 of the ATM gene, creating a premature translation stop signal. This variant is expected to result in an absent or non-functional protein product. To our knowledge, this variant has not been reported in individuals affected with hereditary cancer in the literature. This variant has not been identified in the general population by the Genome Aggregation Database (gnomAD). Loss of ATM function is a known mechanism of disease. Based on the available evidence, this variant is classified as Pathogenic.

Genomic Research Center, Shahid Beheshti University of Medical Sciences
Classification: Pathogenic for Ataxia-telangiectasia syndrome. Last evaluated: 2019-01-01. Review status: criteria provided, single submitter. Criteria: ACMG Guidelines, 2015. Collection method: clinical testing. Allele origin: inherited. Affected: yes. Observed: 1 variant allele. Not counted in ClinVar's aggregate classification.

Natera, Inc.
Classification: Pathogenic for Ataxia-telangiectasia. Last evaluated: 2020-10-13. Review status: no assertion criteria provided. Collection method: clinical testing. Allele origin: germline. Not counted in ClinVar's aggregate classification.

Literature cited by the submitters: PubMed 24954719 (cited by Ambry Genetics); PubMed 23807571 (cited by Labcorp Genetics (formerly Invitae), Labcorp); PubMed 25614872 (cited by Labcorp Genetics (formerly Invitae), Labcorp).